The following is an entry in ClinVar:

NM_170682.4(P2RX2):c.447G>A (p.Met149Ile)

Gene: P2RX2 (purinergic receptor P2X 2; plus strand). Cytogenetic location: 12q24.33.
Variant type: single nucleotide variant.
Coding change: c.447G>A on transcript NM_170682.4 (MANE Select); coding-DNA position 447, G replaced by A.
Protein change: p.Met149Ile; replaces methionine 149 with isoleucine.
Molecular consequence: missense variant. On other transcripts: intron variant (1).
Genome position (GRCh38, 1-based): chr12:132,619,909, G>A. VCF-style: chr12-132619909-G-A. GRCh37 (hg19) VCF-style: chr12-133196495-G-A.
Other names: c.375G>A, p.Met125Ile (NM_001282164.2, NM_016318.4); c.447G>A, p.Met149Ile (NM_001282165.2, NM_170683.4, NM_174873.3); c.171G>A, p.Met57Ile (NM_174872.3); c.242-91G>A (NM_012226.5); short protein forms M149I, M125I, M57I.
Identifiers: ClinVar variation 2032306 (VCV002032306.4), dbSNP rs2041574675, ClinGen allele CA387358988.

ClinVar aggregate classification (germline): Uncertain significance (1 of 4 stars; one submission).

Allele frequency attached by ClinVar (database versions not stated): TOPMed below 0.00001.

Submission:

Labcorp Genetics (formerly Invitae), Labcorp
Classification: Uncertain significance. Last evaluated: 2025-07-31. Review status: criteria provided, single submitter. Criteria: Invitae Variant Classification Sherloc (09022015). Collection method: clinical testing. Allele origin: germline.
Comment: This sequence change replaces methionine, which is neutral and non-polar, with isoleucine, which is neutral and non-polar, at codon 149 of the P2RX2 protein (p.Met149Ile). This variant is not present in population databases (gnomAD no frequency). This variant has not been reported in the literature in individuals affected with P2RX2-related conditions. ClinVar contains an entry for this variant (Variation ID: 2032306). Invitae Evidence Modeling of protein sequence and biophysical properties (such as structural, functional, and spatial information, amino acid conservation, physicochemical variation, residue mobility, and thermodynamic stability) indicates that this missense variant is not expected to disrupt P2RX2 protein function with a negative predictive value of 80%. In summary, the available evidence is currently insufficient to determine the role of this variant in disease. Therefore, it has been classified as a Variant of Uncertain Significance.